The following is an entry in ClinVar:

ClinVar aggregate classification (germline): Uncertain significance. Review status: criteria provided, multiple submitters, no conflicts (2 of 4 stars). 2 submissions from 2 submitters: Uncertain significance (2). Last evaluated 2024-01-24.

Conditions:
Neurofibromatosis, type 1 (NF1). Also called: Neurofibromatosis, type I; NEUROFIBROMATOSIS, TYPE I, SOMATIC; Peripheral type neurofibromatosis; VON RECKLINGHAUSEN DISEASE. Identifiers: Orphanet 636, MedGen C0027831, MONDO:0018975, OMIM 162200. Disease mechanism: loss of function.
Juvenile myelomonocytic leukemia (JMML). Also called: LEUKEMIA, JUVENILE MYELOMONOCYTIC, SOMATIC. Identifiers: Orphanet 86834, MedGen C0349639, MONDO:0011908, OMIM 607785, HP:0012209.

Allele frequency attached by ClinVar (database versions not stated): gnomAD exomes below 0.00001.
gnomAD v4.1: 1 of 1,613,544 alleles (0.000062%); highest among the groups gnomAD compares: Admixed American, 0.0017%; no homozygotes.

Submissions (2):

Baylor Genetics
Classification: Uncertain significance for Juvenile myelomonocytic leukemia. Last evaluated: 2024-01-24. Review status: criteria provided, single submitter. Criteria: ACMG Guidelines, 2015. Collection method: clinical testing. Allele origin: unknown.

Labcorp Genetics (formerly Invitae), Labcorp
Classification: Uncertain significance for Neurofibromatosis, type 1. Last evaluated: 2023-07-25. Review status: criteria provided, single submitter. Criteria: Invitae Variant Classification Sherloc (09022015). Collection method: clinical testing. Allele origin: germline.
Comment: This sequence change replaces lysine, which is basic and polar, with glutamic acid, which is acidic and polar, at codon 2631 of the NF1 protein (p.Lys2631Glu). This variant is present in population databases (no rsID available, gnomAD 0.003%). This variant has not been reported in the literature in individuals affected with NF1-related conditions. Advanced modeling of protein sequence and biophysical properties (such as structural, functional, and spatial information, amino acid conservation, physicochemical variation, residue mobility, and thermodynamic stability) has been performed at Invitae for this missense variant, however the output from this modeling did not meet the statistical confidence thresholds required to predict the impact of this variant on NF1 protein function. In summary, the available evidence is currently insufficient to determine the role of this variant in disease. Therefore, it has been classified as a Variant of Uncertain Significance.

NM_001042492.3(NF1):c.7954A>G (p.Lys2652Glu)

Gene: NF1 (neurofibromin 1; plus strand). Cytogenetic location: 17q11.2.
Variant type: single nucleotide variant.
Coding change: c.7954A>G on transcript NM_001042492.3 (MANE Select); coding-DNA position 7954, A replaced by G.
Protein change: p.Lys2652Glu; replaces lysine 2652 with glutamic acid.
Molecular consequence: missense variant.
Genome position (GRCh38, 1-based): chr17:31,357,353, A>G. VCF-style: chr17-31357353-A-G. GRCh37 (hg19) VCF-style: chr17-29684371-A-G.
Other names: c.7891A>G, p.Lys2631Glu (NM_000267.4); short protein forms K2652E, K2631E.
Identifiers: ClinVar variation 2869592 (VCV002869592.2), dbSNP rs1169964502, ClinGen allele CA399203535.